The following is an entry in ClinVar:

NM_001291303.3(FAT4):c.11053G>A (p.Val3685Ile)

Gene: FAT4 (FAT atypical cadherin 4; plus strand). Cytogenetic location: 4q28.1.
Variant type: single nucleotide variant.
Coding change: c.11053G>A on transcript NM_001291303.3 (MANE Select); coding-DNA position 11053, G replaced by A.
Protein change: p.Val3685Ile; replaces valine 3685 with isoleucine.
Molecular consequence: missense variant.
Genome position (GRCh38, 1-based): chr4:125,452,063, G>A. VCF-style: chr4-125452063-G-A. GRCh37 (hg19) VCF-style: chr4-126373218-G-A.
Other names: c.11053G>A, p.Val3685Ile (NM_001291285.3); c.11047G>A, p.Val3683Ile (NM_024582.6); short protein forms V3683I, V3685I.
Identifiers: ClinVar variation 1429005 (VCV001429005.8), dbSNP rs761409589, ClinGen allele CA3073777.
Genomic context (GRCh38, chr4:125,452,063, plus strand): 5'-GGGGGTACTTGTGATCTGAATTCCCAGCCAAGGTCCACAGATGGCACGTTTGATCTGACT[G>A]TCCTTAGCAATGATGGAGTTCACAGCACAGTCACGAGCAACATCCGAGTTTTCTTTGCTG-3'
Protein context (NP_001278232.1, residues 3675-3695): RSTDGTFDLT[Val3685Ile]LSNDGVHSTV

ClinVar aggregate classification (germline): Uncertain significance (1 of 4 stars; one submission).

Allele frequency attached by ClinVar (database versions not stated): gnomAD exomes below 0.00001 and 0.00002; TOPMed below 0.00001; gnomAD 0.00001; ExAC 0.00002.
gnomAD v4.1: 5 of 1,614,160 alleles (0.00031%); highest among the groups gnomAD compares: Non-Finnish European, 0.00034%; no homozygotes.

Submission:

Labcorp Genetics (formerly Invitae), Labcorp
Classification: Uncertain significance. Last evaluated: 2021-02-03. Review status: criteria provided, single submitter. Criteria: Invitae Variant Classification Sherloc (09022015). Collection method: clinical testing. Allele origin: germline.
Comment: This variant is present in population databases (rs761409589, ExAC 0.003%). This sequence change replaces valine with isoleucine at codon 3683 of the FAT4 protein (p.Val3683Ile). The valine residue is highly conserved and there is a small physicochemical difference between valine and isoleucine. This variant has not been reported in the literature in individuals with FAT4-related conditions. In summary, the available evidence is currently insufficient to determine the role of this variant in disease. Therefore, it has been classified as a Variant of Uncertain Significance. Advanced modeling of protein sequence and biophysical properties (such as structural, functional, and spatial information, amino acid conservation, physicochemical variation, residue mobility, and thermodynamic stability) performed at Invitae indicates that this missense variant is not expected to disrupt FAT4 protein function.